The following is an entry in ClinVar:

ClinVar aggregate classification (germline): Uncertain significance (1 of 4 stars; one submission).

Allele frequency attached by ClinVar (database versions not stated): gnomAD 0.00002; gnomAD exomes below 0.00001; TOPMed 0.00002; ExAC 0.00001.
gnomAD v4.1: 6 of 1,612,498 alleles (0.00037%); highest among the groups gnomAD compares: African/African-American, 0.0067%; no homozygotes.

Submission:

Labcorp Genetics (formerly Invitae), Labcorp
Classification: Uncertain significance. Last evaluated: 2025-02-04. Review status: criteria provided, single submitter. Criteria: Invitae Variant Classification Sherloc (09022015). Collection method: clinical testing. Allele origin: germline.
Comment: This sequence change replaces threonine, which is neutral and polar, with isoleucine, which is neutral and non-polar, at codon 1584 of the CACNA1B protein (p.Thr1584Ile). This variant is present in population databases (rs772475235, gnomAD 0.01%). This variant has not been reported in the literature in individuals affected with CACNA1B-related conditions. ClinVar contains an entry for this variant (Variation ID: 2074617). Invitae Evidence Modeling of protein sequence and biophysical properties (such as structural, functional, and spatial information, amino acid conservation, physicochemical variation, residue mobility, and thermodynamic stability) indicates that this missense variant is not expected to disrupt CACNA1B protein function with a negative predictive value of 80%. In summary, the available evidence is currently insufficient to determine the role of this variant in disease. Therefore, it has been classified as a Variant of Uncertain Significance.

NM_000718.4(CACNA1B):c.4751C>T (p.Thr1584Ile)

Gene: CACNA1B (calcium voltage-gated channel subunit alpha1 B; plus strand). Cytogenetic location: 9q34.3.
Variant type: single nucleotide variant.
Coding change: c.4751C>T on transcript NM_000718.4 (MANE Select); coding-DNA position 4751, C replaced by T.
Protein change: p.Thr1584Ile; replaces threonine 1584 with isoleucine.
Molecular consequence: missense variant.
Genome position (GRCh38, 1-based): chr9:138,073,564, C>T. VCF-style: chr9-138073564-C-T. GRCh37 (hg19) VCF-style: chr9-140968016-C-T.
Other names: c.4751C>T, p.Thr1584Ile (NM_001243812.2); short protein forms T1584I.
Identifiers: ClinVar variation 2074617 (VCV002074617.4), dbSNP rs772475235, ClinGen allele CA5377123.